The following is an entry in ClinVar:

ClinVar aggregate classification (germline): Likely benign. Review status: criteria provided, multiple submitters, no conflicts (2 of 4 stars). 4 submissions from 4 submitters: Likely benign (3). 1 of the submissions does not count toward it. Last evaluated 2026-02-01.

Conditions:
YWHAE-related disorder. Also called: YWHAE-related condition.

Allele frequency attached by ClinVar (database versions not stated): gnomAD 0.00026 and 0.00028; gnomAD exomes 0.00029 and 0.00043; 1000 Genomes Project 30x 0.00031; ExAC 0.00034; 1000 Genomes Project 0.00040; TOPMed 0.00051.
gnomAD v4.1: 498 of 1,613,996 alleles (0.031%); highest among the groups gnomAD compares: Middle Eastern, 0.15%; no homozygotes.

Submissions (4):

CeGaT Center for Human Genetics Tuebingen
Classification: Likely benign. Last evaluated: 2026-02-01. Review status: criteria provided, single submitter. Criteria: CeGaT Center For Human Genetics Tuebingen Variant Classification Criteria Version 2. Collection method: clinical testing. Allele origin: germline. Affected: yes. Observed: 1 variant allele.
Comment: YWHAE: BP4, BP7

Labcorp Genetics (formerly Invitae), Labcorp
Classification: Likely benign. Last evaluated: 2025-09-14. Review status: criteria provided, single submitter. Criteria: Invitae Variant Classification Sherloc (09022015). Collection method: clinical testing. Allele origin: germline.

Blueprint Genetics
Classification: Likely benign. Last evaluated: 2024-10-18. Review status: criteria provided, single submitter. Criteria: ACMG Guidelines, 2015. Collection method: clinical testing. Allele origin: germline.

PreventionGenetics, part of Exact Sciences
Classification: Likely benign for YWHAE-related condition. Last evaluated: 2024-03-29. Review status: no assertion criteria provided. Collection method: clinical testing. Allele origin: germline. Not counted in ClinVar's aggregate classification.
Comment: This variant is classified as likely benign based on ACMG/AMP sequence variant interpretation guidelines (Richards et al. 2015 PMID: 25741868, with internal and published modifications).

NM_006761.5(YWHAE):c.546C>T (p.Tyr182=)

Gene: YWHAE (tyrosine 3-monooxygenase/tryptophan 5-monooxygenase activation protein epsilon; minus strand). Cytogenetic location: 17p13.3.
Variant type: single nucleotide variant.
Coding change: c.546C>T on transcript NM_006761.5 (MANE Select); coding-DNA position 546, C replaced by T.
Protein change: p.Tyr182=; no amino-acid change (tyrosine 182 retained).
Molecular consequence: synonymous variant. On other transcripts: non-coding transcript variant (1).
Genome position (GRCh38, 1-based): chr17:1,361,124, G>A on the plus strand (C>T on the coding strand, the complement: YWHAE is on the minus strand). VCF-style: chr17-1361124-G-A. GRCh37 (hg19) VCF-style: chr17-1264418-G-A.
Identifiers: ClinVar variation 772366 (VCV000772366.15), dbSNP rs188401173, ClinGen allele CA8266160.